The following is an entry in ClinVar:

NM_201596.3(CACNB2):c.1624C>T (p.Arg542Cys)

Gene: CACNB2 (calcium voltage-gated channel auxiliary subunit beta 2; plus strand). Cytogenetic location: 10p12.31.
Variant type: single nucleotide variant.
Coding change: c.1624C>T on transcript NM_201596.3 (MANE Select); coding-DNA position 1624, C replaced by T.
Protein change: p.Arg542Cys; replaces arginine 542 with cysteine.
Molecular consequence: missense variant.
Genome position (GRCh38, 1-based): chr10:18,539,365, C>T. VCF-style: chr10-18539365-C-T. GRCh37 (hg19) VCF-style: chr10-18828294-C-T.
Other names: c.1459C>T, p.Arg487Cys (NM_000724.4); c.1426C>T, p.Arg476Cys (NM_001167945.2); c.1345C>T, p.Arg449Cys (NM_001330060.2); c.1480C>T, p.Arg494Cys (NM_201570.3); c.1540C>T, p.Arg514Cys (NM_201571.4); c.1468C>T, p.Arg490Cys (NM_201572.4); c.1462C>T, p.Arg488Cys (NM_201590.3); c.1510C>T, p.Arg504Cys (NM_201593.3); and 1 more; short protein forms R488C, R542C, R487C, R490C, R514C, R518C, R476C, R494C.
Identifiers: ClinVar variation 537370 (VCV000537370.8), dbSNP rs750387227, ClinGen allele CA376071535.

ClinVar aggregate classification (germline): Uncertain significance (1 of 4 stars; one submission).

Conditions:
Brugada syndrome 4 (BRGDA4). Identifiers: Orphanet 130, MedGen C2678477, MONDO:0012743, OMIM 611876.

Allele frequency attached by ClinVar (database versions not stated): gnomAD 0.00001.
gnomAD v4.1: 7 of 1,614,000 alleles (0.00043%); highest among the groups gnomAD compares: East Asian, 0.0022%; no homozygotes.

Submission:

Labcorp Genetics (formerly Invitae), Labcorp
Classification: Uncertain significance for Brugada syndrome 4. Last evaluated: 2017-08-09. Review status: criteria provided, single submitter. Criteria: Invitae Variant Classification Sherloc (09022015). Collection method: clinical testing. Allele origin: germline.
Comment: Algorithms developed to predict the effect of missense changes on protein structure and function do not agree on the potential impact of this missense change (SIFT: "Deleterious"; PolyPhen-2: "Probably Damaging"; Align-GVGD: "Class C0"). In summary, the available evidence is currently insufficient to determine the role of this variant in disease. Therefore, it has been classified as a Variant of Uncertain Significance. This variant has not been reported in the literature in individuals with CACNB2-related disease. This variant is not present in population databases (ExAC no frequency). This sequence change replaces arginine with cysteine at codon 488 of the CACNB2 protein (p.Arg488Cys). The arginine residue is highly conserved and there is a large physicochemical difference between arginine and cysteine.